The following is an entry in ClinVar:

ClinVar aggregate classification (germline): Uncertain significance (1 of 4 stars; one submission).

Submission:

Labcorp Genetics (formerly Invitae), Labcorp
Classification: Uncertain significance. Last evaluated: 2022-11-22. Review status: criteria provided, single submitter. Criteria: Invitae Variant Classification Sherloc (09022015). Collection method: clinical testing. Allele origin: germline.
Comment: In summary, the available evidence is currently insufficient to determine the role of this variant in disease. Therefore, it has been classified as a Variant of Uncertain Significance. This variant is not present in population databases (gnomAD no frequency). This variant has not been reported in the literature in individuals affected with ERBB4-related conditions. Variants that disrupt the consensus splice site are a relatively common cause of aberrant splicing (PMID: 17576681, 9536098). Algorithms developed to predict the effect of sequence changes on RNA splicing suggest that this variant may disrupt the consensus splice site. This sequence change falls in intron 25 of the ERBB4 gene. It does not directly change the encoded amino acid sequence of the ERBB4 protein. It affects a nucleotide within the consensus splice site.

Literature cited by the submitters: PubMed 17576681; PubMed 9536098.

NM_005235.3(ERBB4):c.3136-3T>G

Gene: ERBB4 (erb-b2 receptor tyrosine kinase 4; minus strand). Cytogenetic location: 2q34.
Variant type: single nucleotide variant.
Coding change: c.3136-3T>G on transcript NM_005235.3 (MANE Select); 3 bases into the intron before coding-DNA position 3136, T replaced by G.
Molecular consequence: intron variant.
Genome position (GRCh38, 1-based): chr2:211,387,995, A>C on the plus strand (T>G on the coding strand, the complement: ERBB4 is on the minus strand). VCF-style: chr2-211387995-A-C. GRCh37 (hg19) VCF-style: chr2-212252720-A-C.
Other names: c.3136-845T>G (NM_001042599.2); c.3106-845T>G (NM_001439006.1); c.3106-3T>G (NM_001439005.1).
Identifiers: ClinVar variation 1963255 (VCV001963255.5), dbSNP rs1219398134, ClinGen allele CA2580065532.
Genomic context (GRCh38, chr2:211,387,995, plus strand): 5'-AAATACTTACTCCTGACATGGGGGTGTAGGCAGGAGGAGGGCTGTGTCCAATTTCACTCT[A>C]ATAGGAAAGAAAAATGGAATGATGGATATAATAAGAGGCAATATGAATGAAAAAATTAAA-3'